The following is an entry in ClinVar:

ClinVar aggregate classification (germline): Uncertain significance. Review status: criteria provided, multiple submitters, no conflicts (2 of 4 stars). 10 submissions from 10 submitters: Uncertain significance (9). 1 of the submissions does not count toward it. Last evaluated 2026-01-30.

Conditions:
Inborn genetic diseases. Identifiers: MedGen C0950123, MeSH D030342.
Wilson disease (WND). Also called: Wilson's disease. Identifiers: Orphanet 905, MedGen C0019202, MONDO:0010200, OMIM 277900. Disease mechanism: loss of function.

Allele frequency attached by ClinVar (database versions not stated): ExAC 0.00011; TOPMed 0.00040.
gnomAD v4.1: 100 of 1,614,050 alleles (0.0062%); highest among the groups gnomAD compares: African/African-American, 0.084%; 1 homozygote.

Submissions (10):

Institute of Immunology and Genetics Kaiserslautern
Classification: Uncertain significance for Wilson disease. Last evaluated: 2026-01-30. Review status: criteria provided, single submitter. Criteria: ACMG Guidelines, 2015. Collection method: clinical testing. Allele origin: germline. Affected: yes.
Comment: ACMG Criteria: PM2_P, PM5_P, PP3; Variant was found in heterozygous state.

Color Diagnostics, LLC DBA Color Health
Classification: Uncertain significance for Wilson disease. Last evaluated: 2025-07-08. Review status: criteria provided, single submitter. Criteria: ACMG Guidelines, 2015. Collection method: clinical testing. Allele origin: germline.
Comment: This missense variant replaces arginine with histidine at codon 1322 of the ATP7B protein. Computational prediction is inconclusive regarding the impact of this variant on protein structure and function. To our knowledge, functional studies have not been reported for this variant. This variant has not been reported in individuals affected with ATP7B-related disorders in the literature. This variant has been identified in 40/280958 chromosomes in the general population by the Genome Aggregation Database (gnomAD). The available evidence is insufficient to determine the role of this variant in disease conclusively. Therefore, this variant is classified as a Variant of Uncertain Significance.

GeneDx
Classification: Uncertain significance. Last evaluated: 2025-05-28. Review status: criteria provided, single submitter. Criteria: GeneDx Variant Classification Process June 2021. Collection method: clinical testing. Allele origin: germline.
Comment: Identified in two individuals from a cohort of patients with isolated or combined dystonia (PMID: 35041927); In silico analysis supports that this missense variant has a deleterious effect on protein structure/function; This variant is associated with the following publications: (PMID: 35041927)

All of Us Research Program, National Institutes of Health
Classification: Uncertain significance for Wilson disease. Last evaluated: 2024-09-23. Review status: criteria provided, single submitter. Criteria: ACMG Guidelines, 2015. Collection method: clinical testing. Allele origin: germline. Inheritance: Autosomal recessive inheritance. Observed: 20 variant alleles, 20 heterozygotes.
Comment: This missense variant replaces arginine with histidine at codon 1322 of the ATP7B protein. Computational prediction is inconclusive regarding the impact of this variant on protein structure and function (internally defined REVEL score threshold 0.5 < inconclusive < 0.7, PMID: 27666373). To our knowledge, functional studies have not been reported for this variant. This variant has not been reported in individuals affected with Wilson disease in the literature. This variant has been identified in 40/280958 chromosomes in the general population by the Genome Aggregation Database (gnomAD). The available evidence is insufficient to determine the role of this variant in disease conclusively. Therefore, this variant is classified as a Variant of Uncertain Significance.

This study involves interpretation of variants in research participants for the purpose of population health screening. Participant phenotype was not available at the time of variant classification. Additional details can be found in publication PMID: 35346344, PMCID: PMC8962531

Fulgent Genetics
Classification: Uncertain significance for Wilson disease. Last evaluated: 2024-03-25. Review status: criteria provided, single submitter. Criteria: ACMG Guidelines, 2015. Collection method: clinical testing. Allele origin: germline.

Mayo Clinic Laboratories, Mayo Clinic
Classification: Uncertain significance. Last evaluated: 2022-12-29. Review status: criteria provided, single submitter. Criteria: ACMG Guidelines, 2015. Collection method: clinical testing. Allele origin: germline. Observed: 1 variant allele.
Comment: PM2

Labcorp Genetics (formerly Invitae), Labcorp
Classification: Uncertain significance for Wilson disease. Last evaluated: 2022-10-13. Review status: criteria provided, single submitter. Criteria: Invitae Variant Classification Sherloc (09022015). Collection method: clinical testing. Allele origin: germline.
Comment: This sequence change replaces arginine, which is basic and polar, with histidine, which is basic and polar, at codon 1322 of the ATP7B protein (p.Arg1322His). This variant is present in population databases (rs753330854, gnomAD 0.08%). This variant has not been reported in the literature in individuals affected with ATP7B-related conditions. ClinVar contains an entry for this variant (Variation ID: 991412). Advanced modeling of protein sequence and biophysical properties (such as structural, functional, and spatial information, amino acid conservation, physicochemical variation, residue mobility, and thermodynamic stability) performed at Invitae indicates that this missense variant is not expected to disrupt ATP7B protein function. In summary, the available evidence is currently insufficient to determine the role of this variant in disease. Therefore, it has been classified as a Variant of Uncertain Significance.

Ambry Genetics
Classification: Uncertain significance for Inborn genetic diseases. Last evaluated: 2022-06-17. Review status: criteria provided, single submitter. Criteria: Ambry Variant Classification Scheme 2023. Collection method: clinical testing. Allele origin: germline.

Juno Genomics, Hangzhou Juno Genomics, Inc
Classification: Uncertain significance for Wilson disease. Review status: criteria provided, single submitter. Criteria: ACMG Guidelines, 2015. Collection method: clinical testing. Allele origin: germline.
Comment: Absent from controls (or at extremely low frequency if recessive) in Genome Aggregation Database.;Multiple lines of computational evidence support a deleterious effect on the gene or gene product.

Natera, Inc.
Classification: Uncertain significance for Wilson disease. Last evaluated: 2020-04-15. Review status: no assertion criteria provided. Collection method: clinical testing. Allele origin: germline. Not counted in ClinVar's aggregate classification.

Literature cited by the submitters: PubMed 17717039 (cited by Mayo Clinic Laboratories, Mayo Clinic); PubMed 17949296 (cited by Mayo Clinic Laboratories, Mayo Clinic); PubMed 31708252 (cited by Mayo Clinic Laboratories, Mayo Clinic); PubMed 35041927 (cited by Mayo Clinic Laboratories, Mayo Clinic); PubMed 9311736 (cited by Mayo Clinic Laboratories, Mayo Clinic).

NM_000053.4(ATP7B):c.3965G>A (p.Arg1322His)

Gene: ATP7B (ATPase copper transporting beta; minus strand). Cytogenetic location: 13q14.3.
Variant type: single nucleotide variant.
Coding change: c.3965G>A on transcript NM_000053.4 (MANE Select); coding-DNA position 3965, G replaced by A.
Protein change: p.Arg1322His; replaces arginine 1322 with histidine.
Molecular consequence: missense variant.
Genome position (GRCh38, 1-based): chr13:51,937,332, C>T on the plus strand (G>A on the coding strand, the complement: ATP7B is on the minus strand). VCF-style: chr13-51937332-C-T. GRCh37 (hg19) VCF-style: chr13-52511468-C-T.
Other names: p.Arg1322His; c.3965G>A (NM_000053.3); c.3344G>A, p.Arg1115His (NM_001005918.3); c.3632G>A, p.Arg1211His (NM_001243182.2); c.3731G>A, p.Arg1244His (NM_001330578.2); c.3713G>A, p.Arg1238His (NM_001330579.2); short protein forms R1115H, R1211H, R1238H, R1244H, R1322H.
Identifiers: ClinVar variation 991412 (VCV000991412.13), dbSNP rs753330854, ClinGen allele CA6988524.
Genomic context (GRCh38, chr13:51,937,332, plus strand): 5'-CTACCTGCTGCAATGGGTATCCCAACCAGGTTATAAATCAGTGCCAGGACCAGGTTGATG[C>T]GTATCCTTCGGACAGTCCTCTTGGAAAGGTGAATGCTAGCCACCACATCCAGCAAATCAT-3'
Protein context (NP_000044.2, residues 1312-1332): HLSKRTVRRI[Arg1322His]INLVLALIYN